The following is an entry in ClinVar:

Conditions:
Breast-ovarian cancer, familial, susceptibility to, 1 (BROVCA1). Also called: BRCA1 Hereditary Breast and Ovarian Cancer; OVARIAN CANCER, SUSCEPTIBILITY TO. Identifiers: Orphanet 145, MedGen C2676676, MONDO:0011450, OMIM 604370. Disease mechanism: loss of function.

Submission:

Brotman Baty Institute, University of Washington
No classification provided (evidence only). Condition: Breast-ovarian cancer, familial 1. Review status: no classification provided. Collection method: in vitro. Allele origin: not applicable. Functional consequence: functionally_normal.
ClinVar note: "not provided" was previously submitted as the classification for the variant. However, the classification appeared to be based only on an observation of functional data so it was converted to no classification on 2025-07-30.

NM_007294.4(BRCA1):c.81-15C>G

Gene: BRCA1 (BRCA1 DNA repair associated; minus strand). Cytogenetic location: 17q21.31.
Variant type: single nucleotide variant.
Coding change: c.81-15C>G on transcript NM_007294.4 (MANE Select); 15 bases into the intron before coding-DNA position 81, C replaced by G.
Molecular consequence: intron variant.
Genome position (GRCh38, 1-based): chr17:43,115,794, G>C on the plus strand (C>G on the coding strand, the complement: BRCA1 is on the minus strand). VCF-style: chr17-43115794-G-C. GRCh37 (hg19) VCF-style: chr17-41267811-G-C.
Other names: c.81-15C>G (NM_001407681.1, NM_001407675.1, NM_001407680.1 and 191 more transcripts); c.-339-15C>G (NM_001407965.1); c.-177-15C>G (NM_001407930.1, NM_001407843.1, NM_001408456.1 and 13 more transcripts); c.-181-15C>G (NM_001408465.1, NM_001407695.1); c.-108-15C>G (NM_001408482.1, NM_001407954.1, NM_001407896.1 and 52 more transcripts); c.-61-15C>G (NM_001407920.1, NM_001408504.1, NM_001408463.1 and 47 more transcripts); c.-8+5764C>G (NM_001407751.1, NM_001407726.1); c.-224-15C>G (NM_001407900.1, NM_001408492.1, NM_001407889.1); and 10 more.
Identifiers: ClinVar variation 865080 (VCV000865080.3), dbSNP rs1555599314, ClinGen allele CA916081058.
Genomic context (GRCh38, chr17:43,115,794, plus strand): 5'-TATGTGGTCACACTTTGTGGAGACAGGTTCCTTGATCAACTCCAGACTAGCAGGGTAGGG[G>C]GGGAGAAAAAGAAAATAAATGAGGCTCAATAATTTATTTAAAAATAAAGCTATTCTTAGT-3'